The following is an entry in ClinVar:

NM_000135.4(FANCA):c.1640C>A (p.Ala547Asp)

Gene: FANCA (FA complementation group A; minus strand). Cytogenetic location: 16q24.3.
Variant type: single nucleotide variant.
Coding change: c.1640C>A on transcript NM_000135.4 (MANE Select); coding-DNA position 1640, C replaced by A.
Protein change: p.Ala547Asp; replaces alanine 547 with aspartic acid.
Molecular consequence: missense variant.
Genome position (GRCh38, 1-based): chr16:89,779,944, G>T on the plus strand (C>A on the coding strand, the complement: FANCA is on the minus strand). VCF-style: chr16-89779944-G-T. GRCh37 (hg19) VCF-style: chr16-89846352-G-T.
Other names: c.1640C>A, p.Ala547Asp (NM_001286167.3); short protein forms A547D.
Identifiers: ClinVar variation 4619303 (VCV004619303.1).

ClinVar aggregate classification (germline): Uncertain significance (1 of 4 stars; one submission).

Conditions:
Inborn genetic diseases. Identifiers: MedGen C0950123, MeSH D030342.

Submission:

Ambry Genetics
Classification: Uncertain significance for Inborn genetic diseases. Last evaluated: 2025-12-07. Review status: criteria provided, single submitter. Criteria: Ambry Variant Classification Scheme 2023. Collection method: clinical testing. Allele origin: germline.
Comment: The p.A547D variant (also known as c.1640C>A), located in coding exon 18 of the FANCA gene, results from a C to A substitution at nucleotide position 1640. The alanine at codon 547 is replaced by aspartic acid, an amino acid with dissimilar properties. This amino acid position is conserved. In addition, this alteration is predicted to be deleterious by in silico analysis. Based on the available evidence, the clinical significance of this variant remains unclear.